The following is an entry in ClinVar:

NM_002439.5(MSH3):c.353A>T (p.Asn118Ile)

Gene: MSH3 (mutS homolog 3; plus strand). Cytogenetic location: 5q14.1.
Variant type: single nucleotide variant.
Coding change: c.353A>T on transcript NM_002439.5 (MANE Select); coding-DNA position 353, A replaced by T.
Protein change: p.Asn118Ile; replaces asparagine 118 with isoleucine.
Molecular consequence: missense variant.
Genome position (GRCh38, 1-based): chr5:80,656,526, A>T. VCF-style: chr5-80656526-A-T. GRCh37 (hg19) VCF-style: chr5-79952345-A-T.
Other names: short protein forms N118I.
Identifiers: ClinVar variation 649417 (VCV000649417.21), dbSNP rs372970933, ClinGen allele CA3327568.
Genomic context (GRCh38, chr5:80,656,526, plus strand): 5'-AAAAGAAAGTAAAGAAAGTCCAACAAAAGGAAGGAGGAAGTGATCTGGGAATGTCTGGCA[A>T]CTCTGGTGAGTTGTGGGGGATTCTTTTTTCTCCTCAGTCATGGCTCTGGTATTCTGGAAT-3'
Protein context (NP_002430.3, residues 108-128): EGGSDLGMSG[Asn118Ile]SEPKKCLRTR

ClinVar aggregate classification (germline): Uncertain significance. Review status: criteria provided, multiple submitters, no conflicts (2 of 4 stars). 7 submissions from 7 submitters: Uncertain significance (7). Last evaluated 2026-09-14.

Conditions:
Endometrial carcinoma. Also called: Endometrial carcinoma, somatic. Identifiers: MedGen C0476089, MONDO:0002447, OMIM 608089, HP:0012114.
Familial adenomatous polyposis 4 (FAP4). Also called: MSH3-related attenuated familial adenomatous polyposis. Identifiers: Orphanet 480536, MedGen C4310719, MONDO:0044300, OMIM 617100.
Hereditary cancer-predisposing syndrome. Also called: Neoplastic Syndromes, Hereditary; Tumor predisposition; Hereditary neoplastic syndrome; Hereditary Cancer Syndrome. Identifiers: Orphanet 140162, MedGen C0027672, MeSH D009386, MONDO:0015356.
MSH3-related disorder. Also called: MSH3-related condition.

Allele frequency attached by ClinVar (database versions not stated): ExAC 0.00003; gnomAD exomes 0.00003 and 0.00008; gnomAD 0.00005; TOPMed 0.00008; ESP Exome Variant Server 0.00015.
gnomAD v4.1: 117 of 1,613,934 alleles (0.0072%); highest among the groups gnomAD compares: Non-Finnish European, 0.0086%; no homozygotes.

Submissions (7):

PreventionGenetics, part of Exact Sciences
Classification: Uncertain significance for MSH3-related condition. Last evaluated: 2026-09-14. Review status: criteria provided, single submitter. Criteria: ACMG Guidelines, 2015. Collection method: clinical testing. Allele origin: germline.
Comment: The MSH3 c.353A>T variant is predicted to result in the amino acid substitution p.Asn118Ile. This variant has been reported in an individual with renal cell cancer and a control individual from a cutaneous melanoma cohort study (Nguyen et al. 2023. PubMed ID: 38127826; Pritchard et al. 2018. PubMed ID: 29641532). It is reported in 0.0044% of alleles in individuals of European (Non-Finnish) descent in gnomAD and has been interpreted as variant of uncertain significance in the ClinVar database (Variation ID: 649417). At this time, the clinical significance of this variant is uncertain due to the absence of conclusive functional and genetic evidence.

Labcorp Genetics (formerly Invitae), Labcorp
Classification: Uncertain significance. Last evaluated: 2026-01-28. Review status: criteria provided, single submitter. Criteria: Invitae Variant Classification Sherloc (09022015). Collection method: clinical testing. Allele origin: germline.
Comment: This sequence change replaces asparagine, which is neutral and polar, with isoleucine, which is neutral and non-polar, at codon 118 of the MSH3 protein (p.Asn118Ile). This variant is present in population databases (rs372970933, gnomAD 0.006%). This missense change has been observed in individual(s) with renal cancer (PMID: 38127826). ClinVar contains an entry for this variant (Variation ID: 649417). An algorithm developed to predict the effect of missense changes on protein structure and function outputs the following: PolyPhen-2: "Benign". The isoleucine amino acid residue is found in multiple mammalian species, which suggests that this missense change does not adversely affect protein function. In summary, the available evidence is currently insufficient to determine the role of this variant in disease. Therefore, it has been classified as a Variant of Uncertain Significance.

Ambry Genetics
Classification: Uncertain significance for Hereditary cancer-predisposing syndrome. Last evaluated: 2025-09-29. Review status: criteria provided, single submitter. Criteria: Ambry Variant Classification Scheme 2023. Collection method: clinical testing. Allele origin: germline.
Comment: The p.N118I variant (also known as c.353A>T), located in coding exon 2 of the MSH3 gene, results from an A to T substitution at nucleotide position 353. The asparagine at codon 118 is replaced by isoleucine, an amino acid with dissimilar properties. This amino acid position is not well conserved in available vertebrate species. In addition, this alteration is predicted to be tolerated by in silico analysis. Based on the available evidence, the clinical significance of this variant remains unclear.

GeneDx
Classification: Uncertain significance. Last evaluated: 2024-12-11. Review status: criteria provided, single submitter. Criteria: GeneDx Variant Classification Process June 2021. Collection method: clinical testing. Allele origin: germline. Affected: yes.
Comment: Not observed at significant frequency in large population cohorts (gnomAD); In silico analysis indicates that this missense variant does not alter protein structure/function; Not observed in any cases, but was observed in unaffected controls from a melanoma study (Pritchard et al., 2018); This variant is associated with the following publications: (PMID: 29641532, 30358836)

Quest Diagnostics Nichols Institute San Juan Capistrano
Classification: Uncertain significance. Last evaluated: 2024-11-05. Review status: criteria provided, single submitter. Criteria: Quest Diagnostics criteria. Collection method: clinical testing. Allele origin: unknown.
Comment: The MSH3 c.353A>T (p.Asn118Ile) variant has been reported in the published literature in an individual with Huntington's Disease (PMID: 30358836 (2019)), as well as in a reportedly healthy individual in a melanoma study (PMID: 29641532 (2018)). The frequency of this variant in the general population, 0.000044 (5/113712 chromosomes (Genome Aggregation Database)), is uninformative in the assessment of its pathogenicity. Analysis of this variant using bioinformatics tools for the prediction of the effect of amino acid changes on protein structure and function yielded predictions that this variant is benign. Based on the available information, we are unable to determine the clinical significance of this variant.

Fulgent Genetics
Classification: Uncertain significance for Endometrial carcinoma; Familial adenomatous polyposis 4. Last evaluated: 2024-06-11. Review status: criteria provided, single submitter. Criteria: ACMG Guidelines, 2015. Collection method: clinical testing. Allele origin: germline.

Baylor Genetics
Classification: Uncertain significance for Endometrial carcinoma. Last evaluated: 2024-03-28. Review status: criteria provided, single submitter. Criteria: ACMG Guidelines, 2015. Collection method: clinical testing. Allele origin: unknown.

Literature cited by the submitters: PubMed 38127826 (cited by Labcorp Genetics (formerly Invitae), Labcorp); PubMed 29641532 (cited by Quest Diagnostics Nichols Institute San Juan Capistrano); PubMed 30358836 (cited by Quest Diagnostics Nichols Institute San Juan Capistrano).